The following is an entry in ClinVar:

NM_000875.5(IGF1R):c.829G>A (p.Val277Met)

Gene: IGF1R (insulin like growth factor 1 receptor; plus strand). Cytogenetic location: 15q26.3.
Variant type: single nucleotide variant.
Coding change: c.829G>A on transcript NM_000875.5 (MANE Select); coding-DNA position 829, G replaced by A.
Protein change: p.Val277Met; replaces valine 277 with methionine.
Molecular consequence: missense variant.
Genome position (GRCh38, 1-based): chr15:98,891,513, G>A. VCF-style: chr15-98891513-G-A. GRCh37 (hg19) VCF-style: chr15-99434742-G-A.
Other names: c.829G>A, p.Val277Met (NM_001291858.2); short protein forms V277M.
Identifiers: ClinVar variation 3371222 (VCV003371222.1).

ClinVar aggregate classification (germline): Uncertain significance (1 of 4 stars; one submission).

gnomAD v4.1: 1 of 1,613,618 alleles (0.000062%); highest among the groups gnomAD compares: South Asian, 0.0011%; no homozygotes.

Submission:

GeneDx
Classification: Uncertain significance. Last evaluated: 2024-03-25. Review status: criteria provided, single submitter. Criteria: GeneDx Variant Classification Process June 2021. Collection method: clinical testing. Allele origin: germline. Affected: yes.
Comment: Not observed at significant frequency in large population cohorts (gnomAD); In silico analysis supports that this missense variant does not alter protein structure/function; Has not been previously published as pathogenic or benign to our knowledge